The following is an entry in ClinVar:

NM_004304.5(ALK):c.2487+4T>C

Gene: ALK (ALK receptor tyrosine kinase; minus strand). Cytogenetic location: 2p23.2.
Variant type: single nucleotide variant.
Coding change: c.2487+4T>C on transcript NM_004304.5 (MANE Select); 4 bases into the intron after coding-DNA position 2487, T replaced by C.
Molecular consequence: intron variant.
Genome position (GRCh38, 1-based): chr2:29,233,561, A>G on the plus strand (T>C on the coding strand, the complement: ALK is on the minus strand). VCF-style: chr2-29233561-A-G. GRCh37 (hg19) VCF-style: chr2-29456427-A-G.
Other names: c.2487+4T>C (NM_004304.4).
Identifiers: ClinVar variation 1045454 (VCV001045454.7), dbSNP rs368430854, ClinGen allele CA44639083.

ClinVar aggregate classification (germline): Uncertain significance. Review status: criteria provided, multiple submitters, no conflicts (2 of 4 stars). 2 submissions from 2 submitters: Uncertain significance (2). Last evaluated 2025-10-01.

Conditions:
Hereditary cancer-predisposing syndrome. Also called: Hereditary neoplastic syndrome; Neoplastic Syndromes, Hereditary; Tumor predisposition; Hereditary Cancer Syndrome. Identifiers: Orphanet 140162, MedGen C0027672, MeSH D009386, MONDO:0015356.
Neuroblastoma, susceptibility to, 3. Also called: ALK-Related Neuroblastic Tumor Susceptibility. Identifiers: Orphanet 635, MedGen C2751681, MONDO:0013083, OMIM 613014.

Allele frequency attached by ClinVar (database versions not stated): gnomAD 0.00001; gnomAD exomes 0.00001; TOPMed 0.00001; ESP Exome Variant Server 0.00008.
gnomAD v4.1: 6 of 1,614,026 alleles (0.00037%); highest among the groups gnomAD compares: African/African-American, 0.004%; no homozygotes.

Submissions (2):

Labcorp Genetics (formerly Invitae), Labcorp
Classification: Uncertain significance for Neuroblastoma, susceptibility to, 3. Last evaluated: 2025-10-01. Review status: criteria provided, single submitter. Criteria: Invitae Variant Classification Sherloc (09022015). Collection method: clinical testing. Allele origin: germline.
Comment: This sequence change falls in intron 14 of the ALK gene. It does not directly change the encoded amino acid sequence of the ALK protein. It affects a nucleotide within the consensus splice site. This variant is present in population databases (rs368430854, gnomAD 0.007%). This variant has not been reported in the literature in individuals affected with ALK-related conditions. ClinVar contains an entry for this variant (Variation ID: 1045454). Variants that disrupt the consensus splice site are a relatively common cause of aberrant splicing (PMID: 17576681, 9536098). Algorithms developed to predict the effect of sequence changes on RNA splicing suggest that this variant is not likely to affect RNA splicing. In summary, the available evidence is currently insufficient to determine the role of this variant in disease. Therefore, it has been classified as a Variant of Uncertain Significance.

Ambry Genetics
Classification: Uncertain significance for Hereditary cancer-predisposing syndrome. Last evaluated: 2025-03-07. Review status: criteria provided, single submitter. Criteria: Ambry Variant Classification Scheme 2023. Collection method: clinical testing. Allele origin: germline.
Comment: The c.2487+4T>C intronic variant results from a T to C substitution 4 nucleotides after coding exon 14 in the ALK gene. This nucleotide position is poorly conserved in available vertebrate species. In silico splice site analysis predicts that this alteration will not have any significant effect on splicing. Based on the available evidence, the clinical significance of this variant remains unclear.

Literature cited by the submitters: PubMed 17576681 (cited by Labcorp Genetics (formerly Invitae), Labcorp); PubMed 9536098 (cited by Labcorp Genetics (formerly Invitae), Labcorp).